The following is an entry in ClinVar:

NM_020975.6(RET):c.1848G>A (p.Glu616=)

Gene: RET (ret proto-oncogene; plus strand). Cytogenetic location: 10q11.21.
Variant type: single nucleotide variant.
Coding change: c.1848G>A on transcript NM_020975.6 (MANE Select); coding-DNA position 1848, G replaced by A.
Protein change: p.Glu616=; no amino-acid change (glutamic acid 616 retained).
Molecular consequence: synonymous variant. On other transcripts: intron variant (2).
Genome position (GRCh38, 1-based): chr10:43,113,644, G>A. VCF-style: chr10-43113644-G-A. GRCh37 (hg19) VCF-style: chr10-43609092-G-A.
Other names: c.1848G>A, p.Glu616= (NM_000323.2, NM_001406743.1, NM_001406744.1 and 6 more transcripts); c.1086G>A, p.Glu362= (NM_001355216.2); c.1719G>A, p.Glu573= (NM_001406761.1, NM_001406762.1, NM_001406764.1 and 1 more transcripts); c.1560G>A, p.Glu520= (NM_001406766.1, NM_001406767.1, NM_001406770.1); c.1452G>A, p.Glu484= (NM_001406769.1, NM_001406772.1); c.1410G>A, p.Glu470= (NM_001406771.1, NM_001406773.1); c.1323G>A, p.Glu441= (NM_001406774.1); c.1122G>A, p.Glu374= (NM_001406775.1, NM_001406776.1, NM_001406777.1 and 1 more transcripts); and 7 more.
Identifiers: ClinVar variation 413453 (VCV000413453.13), dbSNP rs1060504031, ClinGen allele CA16612793.

ClinVar aggregate classification (germline): Benign/Likely benign. Review status: criteria provided, multiple submitters, no conflicts (2 of 4 stars). 3 submissions from 3 submitters: Benign (1); Likely benign (2). Last evaluated 2025-02-26.

Conditions:
Multiple endocrine neoplasia type 2A. Also called: MULTIPLE ENDOCRINE NEOPLASIA, TYPE IIA; PTC SYNDROME; SIPPLE SYNDROME; MEN 2A; MEN-2A syndrome; Pheochromocytoma and amyloid producing medullary thyroid carcinoma. Identifiers: Orphanet 247698, Orphanet 653, MedGen C0025268, MeSH D018813, MONDO:0008234, OMIM 171400.
Multiple endocrine neoplasia, type 2 (MEN2). Identifiers: Orphanet 653, MedGen C4048306, MONDO:0019003. Disease mechanism: gain of function.
Hereditary cancer-predisposing syndrome. Also called: Neoplastic Syndromes, Hereditary; Tumor predisposition; Hereditary Cancer Syndrome; Hereditary neoplastic syndrome. Identifiers: Orphanet 140162, MedGen C0027672, MeSH D009386, MONDO:0015356.

Submissions (3):

Myriad Genetics, Inc.
Classification: Benign for Multiple endocrine neoplasia type 2A. Last evaluated: 2025-02-26. Review status: criteria provided, single submitter. Criteria: Myriad Autosomal Dominant, Autosomal Recessive and X-Linked Classification Criteria (2023). Collection method: clinical testing. Allele origin: unknown.
Comment: This variant is considered benign. This variant is a silent/synonymous amino acid change and it is not expected to impact splicing.

Labcorp Genetics (formerly Invitae), Labcorp
Classification: Likely benign for Multiple endocrine neoplasia, type 2. Last evaluated: 2024-01-02. Review status: criteria provided, single submitter. Criteria: Invitae Variant Classification Sherloc (09022015). Collection method: clinical testing. Allele origin: germline.

Ambry Genetics
Classification: Likely benign for Hereditary cancer-predisposing syndrome. Last evaluated: 2021-06-28. Review status: criteria provided, single submitter. Criteria: Ambry Variant Classification Scheme 2023. Collection method: clinical testing. Allele origin: germline.